The following is an entry in ClinVar:

NM_004629.2(FANCG):c.1156C>G (p.Pro386Ala)

Gene: FANCG (FA complementation group G; minus strand). Cytogenetic location: 9p13.3.
Variant type: single nucleotide variant.
Coding change: c.1156C>G on transcript NM_004629.2 (MANE Select); coding-DNA position 1156, C replaced by G.
Protein change: p.Pro386Ala; replaces proline 386 with alanine.
Molecular consequence: missense variant.
Genome position (GRCh38, 1-based): chr9:35,075,742, G>C on the plus strand (C>G on the coding strand, the complement: FANCG is on the minus strand). VCF-style: chr9-35075742-G-C. GRCh37 (hg19) VCF-style: chr9-35075739-G-C.
Other names: p.Pro386Ala; short protein forms P386A.
Identifiers: ClinVar variation 577185 (VCV000577185.13), dbSNP rs375757497, ClinGen allele CA5039808.

ClinVar aggregate classification (germline): Uncertain significance. Review status: criteria provided, multiple submitters, no conflicts (2 of 4 stars). 6 submissions from 6 submitters: Uncertain significance (5). 1 of the submissions does not count toward it. Last evaluated 2024-07-01.

Conditions:
Fanconi anemia complementation group G. Also called: Fanconi anemia group G; FANCG-Related Fanconi Anemia. Identifiers: Orphanet 84, MedGen C3469527, MONDO:0013565, OMIM 614082.
Fanconi anemia (FA). Also called: Fanconi's anemia. Identifiers: Orphanet 84, MedGen C0015625, MeSH D005199, MONDO:0019391.

Allele frequency attached by ClinVar (database versions not stated): TOPMed 0.00002; gnomAD 0.00003; ESP Exome Variant Server 0.00008.

Submissions (6):

Labcorp Genetics (formerly Invitae), Labcorp
Classification: Uncertain significance for Fanconi anemia. Last evaluated: 2024-07-01. Review status: criteria provided, single submitter. Criteria: Invitae Variant Classification Sherloc (09022015). Collection method: clinical testing. Allele origin: germline.
Comment: This sequence change replaces proline, which is neutral and non-polar, with alanine, which is neutral and non-polar, at codon 386 of the FANCG protein (p.Pro386Ala). This variant is present in population databases (rs375757497, gnomAD 0.05%). This variant has not been reported in the literature in individuals affected with FANCG-related conditions. ClinVar contains an entry for this variant (Variation ID: 577185). Advanced modeling of protein sequence and biophysical properties (such as structural, functional, and spatial information, amino acid conservation, physicochemical variation, residue mobility, and thermodynamic stability) performed at Invitae indicates that this missense variant is not expected to disrupt FANCG protein function with a negative predictive value of 80%. In summary, the available evidence is currently insufficient to determine the role of this variant in disease. Therefore, it has been classified as a Variant of Uncertain Significance.

Fulgent Genetics
Classification: Uncertain significance for Fanconi anemia complementation group G. Last evaluated: 2024-02-09. Review status: criteria provided, single submitter. Criteria: ACMG Guidelines, 2015. Collection method: clinical testing. Allele origin: germline.

Mayo Clinic Laboratories, Mayo Clinic
Classification: Uncertain significance. Last evaluated: 2022-06-03. Review status: criteria provided, single submitter. Criteria: ACMG Guidelines, 2015. Collection method: clinical testing. Allele origin: germline. Observed: 1 variant allele.
Comment: BP4

Sema4
Classification: Uncertain significance for Fanconi anemia. Last evaluated: 2021-07-03. Review status: criteria provided, single submitter. Criteria: Sema4 Curation Guidelines. Collection method: curation. Allele origin: germline.
Comment: The FANCG c.1156C>G (p.P386A) variant has not been reported in the literature to our knowledge. This variant was observed in 20/33482chromosomes in the Latino population according to the Genome Aggregation Database ((PMID: 32461654). This variant has been reported in ClinVar (Variation ID 577185). In silico tools suggest the impact of the variant on protein function is benign, and a functional study that tested this variant in a yeast two-hybrid assay suggests that the variant does not disrupt binding of FANCG to the SH3 domains of the DNA repair protein nonerythroid alpha-spectrin (PMID 19102630). The overall evidence is insufficient to meet ACMG/AMP criteria for classifying it as benign or pathogenic. In summary, the clinical significance of this variant is currently uncertain.

Baylor Genetics
Classification: Uncertain significance for Fanconi anemia complementation group G. Last evaluated: 2021-03-23. Review status: criteria provided, single submitter. Criteria: ACMG Guidelines, 2015. Collection method: clinical testing. Allele origin: unknown. Affected: yes. Study: CSER-TexasKidsCanSeq.
Comment: This variant was determined to be of uncertain significance according to ACMG Guidelines, 2015 [PMID:25741868].

Natera, Inc.
Classification: Uncertain significance for Fanconi anemia group G. Last evaluated: 2019-10-28. Review status: no assertion criteria provided. Collection method: clinical testing. Allele origin: germline. Not counted in ClinVar's aggregate classification.

Literature cited by the submitters: PubMed 19102630 (cited by Sema4).